The following is an entry in ClinVar:

ClinVar aggregate classification (germline): Uncertain significance. Review status: criteria provided, multiple submitters, no conflicts (2 of 4 stars). 2 submissions from 2 submitters: Uncertain significance (2). Last evaluated 2022-05-13.

Conditions:
Cardiovascular phenotype. Identifiers: MedGen CN230736.
Alstrom syndrome (ALMS). Identifiers: Orphanet 64, MedGen C0268425, MONDO:0008763, OMIM 203800.

Allele frequency attached by ClinVar (database versions not stated): TOPMed 0.00001.

Submissions (2):

Labcorp Genetics (formerly Invitae), Labcorp
Classification: Uncertain significance for Alstrom syndrome. Last evaluated: 2022-05-13. Review status: criteria provided, single submitter. Criteria: Invitae Variant Classification Sherloc (09022015). Collection method: clinical testing. Allele origin: germline.
Comment: This sequence change replaces threonine, which is neutral and polar, with isoleucine, which is neutral and non-polar, at codon 707 of the ALMS1 protein (p.Thr707Ile). This variant is not present in population databases (gnomAD no frequency). This variant has not been reported in the literature in individuals affected with ALMS1-related conditions. Experimental studies and prediction algorithms are not available or were not evaluated, and the functional significance of this variant is currently unknown. In summary, the available evidence is currently insufficient to determine the role of this variant in disease. Therefore, it has been classified as a Variant of Uncertain Significance.

Ambry Genetics
Classification: Uncertain significance for Cardiovascular phenotype. Last evaluated: 2022-05-02. Review status: criteria provided, single submitter. Criteria: Ambry Variant Classification Scheme 2023. Collection method: clinical testing. Allele origin: germline.
Comment: The p.T707I variant (also known as c.2120C>T), located in coding exon 8 of the ALMS1 gene, results from a C to T substitution at nucleotide position 2120. The threonine at codon 707 is replaced by isoleucine, an amino acid with similar properties. This amino acid position is well conserved in available vertebrate species. In addition, this alteration is predicted to be tolerated by in silico analysis. Since supporting evidence is limited at this time, the clinical significance of this alteration remains unclear.

NM_001378454.1(ALMS1):c.2117C>T (p.Thr706Ile)

Gene: ALMS1 (ALMS1 centrosome and basal body associated protein; plus strand). Cytogenetic location: 2p13.1.
Variant type: single nucleotide variant.
Coding change: c.2117C>T on transcript NM_001378454.1 (MANE Select); coding-DNA position 2117, C replaced by T.
Protein change: p.Thr706Ile; replaces threonine 706 with isoleucine.
Molecular consequence: missense variant.
Genome position (GRCh38, 1-based): chr2:73,448,644, C>T. VCF-style: chr2-73448644-C-T. GRCh37 (hg19) VCF-style: chr2-73675771-C-T.
Other names: c.2120C>T, p.Thr707Ile (NM_015120.4); short protein forms T706I, T707I.
Identifiers: ClinVar variation 1786242 (VCV001786242.4), dbSNP rs1405761479, ClinGen allele CA347266776.